The following is an entry in ClinVar:

NM_004260.4(RECQL4):c.2096del (p.Asn699fs)

Gene: RECQL4 (RecQ like helicase 4; minus strand). Cytogenetic location: 8q24.3.
Variant type: Deletion.
Coding change: c.2096del on transcript NM_004260.4 (MANE Select); coding-DNA position 2096, one base deleted (A; older notation c.2096delA).
Protein change: p.Asn699fs; shifts the reading frame from asparagine 699.
Molecular consequence: frameshift variant.
Genome position (GRCh38, 1-based): chr8:144,513,675, T deleted on the plus strand (A on the coding strand, the reverse complement: RECQL4 is on the minus strand); the first of 4 consecutive T bases (chr8:144,513,675-144,513,678); deleting any one gives the same sequence. VCF-style (leftmost placement, unchanged base first): chr8-144513674-GT-G. GRCh37 (hg19) VCF-style: chr8-145739058-GT-G.
Other names: short protein forms N699fs.
Identifiers: ClinVar variation 1071942 (VCV001071942.5), dbSNP rs2130684253, ClinGen allele CA2499219182.

ClinVar aggregate classification (germline): Pathogenic (1 of 4 stars; one submission).

Conditions:
Baller-Gerold syndrome (BGS). Also called: CRANIOSYNOSTOSIS WITH RADIAL DEFECTS. Identifiers: Orphanet 1225, MedGen C0265308, MONDO:0009039, OMIM 218600.

Submission:

Labcorp Genetics (formerly Invitae), Labcorp
Classification: Pathogenic for Baller-Gerold syndrome. Last evaluated: 2025-10-14. Review status: criteria provided, single submitter. Criteria: Invitae Variant Classification Sherloc (09022015). Collection method: clinical testing. Allele origin: germline.
Comment: This sequence change creates a premature translational stop signal (p.Asn699Thrfs*144) in the RECQL4 gene. It is expected to result in an absent or disrupted protein product. Loss-of-function variants in RECQL4 are known to be pathogenic (PMID: 12734318, 12952869). This variant is not present in population databases (gnomAD no frequency). This variant has not been reported in the literature in individuals affected with RECQL4-related conditions. ClinVar contains an entry for this variant (Variation ID: 1071942). For these reasons, this variant has been classified as Pathogenic.

Literature cited by the submitters: PubMed 12734318; PubMed 12952869.